The following is an entry in ClinVar:

NM_002480.3(PPP1R12A):c.792+3A>C

Gene: PPP1R12A (protein phosphatase 1 regulatory subunit 12A; minus strand). Cytogenetic location: 12q21.2.
Variant type: single nucleotide variant.
Coding change: c.792+3A>C on transcript NM_002480.3 (MANE Select); 3 bases into the intron after coding-DNA position 792, A replaced by C.
Molecular consequence: intron variant.
Genome position (GRCh38, 1-based): chr12:79,828,317, T>G on the plus strand (A>C on the coding strand, the complement: PPP1R12A is on the minus strand). VCF-style: chr12-79828317-T-G. GRCh37 (hg19) VCF-style: chr12-80222097-T-G.
Other names: c.792+3A>C (NM_001244992.1, NM_001244990.2, NM_001143885.2); c.531+3A>C (NM_001143886.2).
Identifiers: ClinVar variation 4871744 (VCV004871744.1).

ClinVar aggregate classification (germline): Pathogenic (1 of 4 stars; one submission).

Conditions:
Genitourinary and/or brain malformation syndrome (GUBS). Also called: PPP1R12A-Related Urogenital and/or Brain Malformation Syndrome. Identifiers: MedGen C5394158, MONDO:0032934, OMIM 618820.

Submission:

Laboratory of Medical Genetics, IRCCS Burlo Garofolo
Classification: Pathogenic for Genitourinary and/or brain malformation syndrome. Last evaluated: 2026-07-15. Review status: criteria provided, single submitter. Criteria: ACMG Guidelines, 2015. Collection method: clinical testing. Allele origin: de novo. Inheritance: Sporadic. Affected: yes. Observed: 1 variant allele, 1 heterozygote.
Comment: The classification is supported by the following ACMG/AMP criteria: PVS1_Strong: The variant results in aberrant splicing with complete skipping of exon 5, generating an out-of-frame transcript that introduces a premature termination codon and is predicted to undergo nonsense-mediated mRNA decay (NMD). PS3_Moderate: Functional studies, including a minigene splicing assay and RT-PCR analysis, demonstrated that the variant disrupts normal pre-mRNA splicing. PS2: The variant was identified as de novo by trio-based whole-exome sequencing and confirmed by Sanger sequencing. Its absence was verified in both parents, with maternity and paternity confirmed. PM2_Supporting: The variant is absent from large population databases, including gnomAD.

Literature cited by the submitters: PubMed 37352859.